The following is an entry in ClinVar:

NM_198506.5(LRIT3):c.791T>C (p.Met264Thr)

Gene: LRIT3 (leucine rich repeat, Ig-like and transmembrane domains 3; plus strand). Cytogenetic location: 4q25.
Variant type: single nucleotide variant.
Coding change: c.791T>C on transcript NM_198506.5 (MANE Select); coding-DNA position 791, T replaced by C.
Protein change: p.Met264Thr; replaces methionine 264 with threonine.
Molecular consequence: missense variant.
Genome position (GRCh38, 1-based): chr4:109,867,842, T>C. VCF-style: chr4-109867842-T-C. GRCh37 (hg19) VCF-style: chr4-110788998-T-C.
Other names: short protein forms M264T.
Identifiers: ClinVar variation 1377293 (VCV001377293.8), dbSNP rs762773019, ClinGen allele CA3043061.

ClinVar aggregate classification (germline): Uncertain significance (1 of 4 stars; one submission).

Allele frequency attached by ClinVar (database versions not stated): gnomAD 0.00001; ExAC 0.00002; TOPMed 0.00002.
gnomAD v4.1: 7 of 1,614,086 alleles (0.00043%); highest among the groups gnomAD compares: African/African-American, 0.0027%; no homozygotes.

Submission:

Labcorp Genetics (formerly Invitae), Labcorp
Classification: Uncertain significance. Last evaluated: 2023-10-03. Review status: criteria provided, single submitter. Criteria: Invitae Variant Classification Sherloc (09022015). Collection method: clinical testing. Allele origin: germline.
Comment: This sequence change replaces methionine, which is neutral and non-polar, with threonine, which is neutral and polar, at codon 264 of the LRIT3 protein (p.Met264Thr). This variant is present in population databases (rs762773019, gnomAD 0.007%). This variant has not been reported in the literature in individuals affected with LRIT3-related conditions. ClinVar contains an entry for this variant (Variation ID: 1377293). Algorithms developed to predict the effect of missense changes on protein structure and function output the following: SIFT: "Not Available"; PolyPhen-2: "Benign"; Align-GVGD: "Not Available". The threonine amino acid residue is found in multiple mammalian species, which suggests that this missense change does not adversely affect protein function. In summary, the available evidence is currently insufficient to determine the role of this variant in disease. Therefore, it has been classified as a Variant of Uncertain Significance.